The following is an entry in ClinVar:

ClinVar aggregate classification (germline): Uncertain significance (1 of 4 stars; one submission).

Submission:

Labcorp Genetics (formerly Invitae), Labcorp
Classification: Uncertain significance. Last evaluated: 2025-07-10. Review status: criteria provided, single submitter. Criteria: Invitae Variant Classification Sherloc (09022015). Collection method: clinical testing. Allele origin: germline.
Comment: This variant results in the deletion of part of exon 4 (c.453_457+26del) of the P2RX2 gene. It is expected to disrupt RNA splicing. Variants that disrupt the donor or acceptor splice site typically lead to a loss of protein function (PMID: 16199547), however the current clinical and genetic evidence is not sufficient to establish whether loss-of-function variants in P2RX2 cause disease. This variant is not present in population databases (gnomAD no frequency). This variant has not been reported in the literature in individuals affected with P2RX2-related conditions. ClinVar contains an entry for this variant (Variation ID: 3688469). In summary, the available evidence is currently insufficient to determine the role of this variant in disease. Therefore, it has been classified as a Variant of Uncertain Significance.

Literature cited by the submitters: PubMed 16199547.

NM_170682.4(P2RX2):c.453_457+26del

Gene: P2RX2 (purinergic receptor P2X 2; plus strand). Cytogenetic location: 12q24.33.
Variant type: Deletion.
Coding change: c.453_457+26del on transcript NM_170682.4 (MANE Select); coding-DNA position 453 through 26 bases into the intron after coding-DNA position 457, 31 bases deleted.
Molecular consequence: splice donor variant. On other transcripts: intron variant (1).
Genome position (GRCh38, 1-based): chr12:132,619,915-132,619,945, 31 bases deleted; deleting any 31 consecutive bases within chr12:132,619,909-132,619,945 gives the same sequence; the c. name uses the placement nearest the transcript's 3' end. GRCh37 (hg19): chr12:133,196,501-133,196,531.
Other names: c.453_457+26del (NM_001282165.2, NM_170683.4, NM_174873.3); c.381_385+26del (NM_016318.4, NM_001282164.2); c.242-85_242-55del (NM_012226.5); c.177_181+26del (NM_174872.3).
Identifiers: ClinVar variation 3688469 (VCV003688469.2).